The following is an entry in ClinVar:

NM_001291303.3(FAT4):c.9876G>A (p.Gly3292=)

Gene: FAT4 (FAT atypical cadherin 4; plus strand). Cytogenetic location: 4q28.1.
Variant type: single nucleotide variant.
Coding change: c.9876G>A on transcript NM_001291303.3 (MANE Select); coding-DNA position 9876, G replaced by A.
Protein change: p.Gly3292=; no amino-acid change (glycine 3292 retained).
Molecular consequence: synonymous variant.
Genome position (GRCh38, 1-based): chr4:125,450,886, G>A. VCF-style: chr4-125450886-G-A. GRCh37 (hg19) VCF-style: chr4-126372041-G-A.
Other names: c.9876G>A, p.Gly3292= (NM_001291285.3); c.9870G>A, p.Gly3290= (NM_024582.6).
Identifiers: ClinVar variation 506464 (VCV000506464.12), dbSNP rs115219562, ClinGen allele CA3073593.

ClinVar aggregate classification (germline): Benign. Review status: criteria provided, multiple submitters, no conflicts (2 of 4 stars). 4 submissions from 4 submitters: Benign (4). Last evaluated 2026-01-28.

Allele frequency attached by ClinVar (database versions not stated): gnomAD exomes 0.00111 and 0.00285; ExAC 0.00370; gnomAD 0.01078 and 0.01168; TOPMed 0.01183; 1000 Genomes Project 0.01258; ESP Exome Variant Server 0.01261; 1000 Genomes Project 30x 0.01265.
gnomAD v4.1: 3,280 of 1,614,078 alleles (0.2%); highest among the groups gnomAD compares: African/African-American, 3.9%; 69 homozygotes.

Submissions (4):

Labcorp Genetics (formerly Invitae), Labcorp
Classification: Benign. Last evaluated: 2026-01-28. Review status: criteria provided, single submitter. Criteria: Invitae Variant Classification Sherloc (09022015). Collection method: clinical testing. Allele origin: germline.

ARUP Laboratories, Molecular Genetics and Genomics, ARUP Laboratories
Classification: Benign. Last evaluated: 2023-11-29. Review status: criteria provided, single submitter. Criteria: ARUP Molecular Germline Variant Investigation Process 2024. Collection method: clinical testing. Allele origin: germline.

GeneDx
Classification: Benign. Last evaluated: 2017-07-17. Review status: criteria provided, single submitter. Criteria: GeneDx Variant Classification (06012015). Collection method: clinical testing. Allele origin: germline. Affected: yes.
Comment: This variant is considered likely benign or benign based on one or more of the following criteria: it is a conservative change, it occurs at a poorly conserved position in the protein, it is predicted to be benign by multiple in silico algorithms, and/or has population frequency not consistent with disease.

Breakthrough Genomics
Classification: Benign. Review status: criteria provided, single submitter. Criteria: ACMG Guidelines, 2015. Collection method: not provided. Allele origin: germline. Inheritance: Autosomal recessive inheritance. Affected: yes.